The following is an entry in ClinVar:

ClinVar aggregate classification (germline): Uncertain significance (1 of 4 stars; one submission).

Conditions:
Polycystic kidney disease 4 (PKD4). Also called: PKD3; Autosomal Recessive Polycystic Kidney Disease – PKHD1; POLYCYSTIC KIDNEY AND HEPATIC DISEASE 1; POLYCYSTIC KIDNEY DISEASE, INFANTILE, TYPE I; POLYCYSTIC KIDNEY DISEASE 4 WITH OR WITHOUT POLYCYSTIC LIVER DISEASE. Identifiers: MedGen C4540575, MONDO:0033004, OMIM 263200.

Submission:

Diagnostics Services (NGS), CSIR - Centre For Cellular And Molecular Biology
Classification: Uncertain significance for Polycystic kidney disease 4. Last evaluated: 2022-10-19. Review status: criteria provided, single submitter. Criteria: ACMG Guidelines, 2015. Collection method: clinical testing. Allele origin: unknown. Affected: yes. Observed: 1 variant allele, 1 homozygote.
Comment: The c.6101A>T variant is not present in publicly available population databases like 1000 Genomes, EVS, ExAC, gnomAD, Indian Exome Database or our in-house exome database. This variant has neither been published nor reported to clinical databases like OMIM, ClinVar and/or Human Genome Mutation Database (HGMD), in any affected individuals. In-silico pathogenicity prediction programs like SIFT, Polyphen2, MutationTaster2, CADD, etc. predicted this variant to be likely deleterious, however these predictions were not confirmed by any published functional studies.

NM_138694.4(PKHD1):c.6101A>T (p.Asn2034Ile)

Gene: PKHD1 (PKHD1 ciliary IPT domain containing fibrocystin/polyductin; minus strand). Cytogenetic location: 6p12.2.
Variant type: single nucleotide variant.
Coding change: c.6101A>T on transcript NM_138694.4 (MANE Select); coding-DNA position 6101, A replaced by T.
Protein change: p.Asn2034Ile; replaces asparagine 2034 with isoleucine.
Molecular consequence: missense variant.
Genome position (GRCh38, 1-based): chr6:51,934,130, T>A on the plus strand (A>T on the coding strand, the complement: PKHD1 is on the minus strand). VCF-style: chr6-51934130-T-A. GRCh37 (hg19) VCF-style: chr6-51798928-T-A.
Other names: c.6101A>T, p.Asn2034Ile (NM_170724.3); short protein forms N2034I.
Identifiers: ClinVar variation 1802263 (VCV001802263.3), dbSNP rs2537009459, ClinGen allele CA364417600.
Genomic context (GRCh38, chr6:51,934,130, plus strand): 5'-CAGCTCTACTTCATTTCCTCTGATCAATTGCCTCACTCACCGTGCAGAGAAAGAGTTCCA[T>A]TCCTCACAGCCAGGAACTTGACTCCATAGGGAAAGAAGGGAGTTGAGTAGGAACTCCCGT-3'
Protein context (NP_619639.3, residues 2024-2044): PYGVKFLAVR[Asn2034Ile]GTLSLHGSLP